The following is an entry in ClinVar:

NM_002480.3(PPP1R12A):c.737A>C (p.Glu246Ala)

Gene: PPP1R12A (protein phosphatase 1 regulatory subunit 12A; minus strand). Cytogenetic location: 12q21.2.
Variant type: single nucleotide variant.
Coding change: c.737A>C on transcript NM_002480.3 (MANE Select); coding-DNA position 737, A replaced by C.
Protein change: p.Glu246Ala; replaces glutamic acid 246 with alanine.
Molecular consequence: missense variant.
Genome position (GRCh38, 1-based): chr12:79,828,375, T>G on the plus strand (A>C on the coding strand, the complement: PPP1R12A is on the minus strand). VCF-style: chr12-79828375-T-G. GRCh37 (hg19) VCF-style: chr12-80222155-T-G.
Other names: c.737A>C, p.Glu246Ala (NM_001143885.2, NM_001244990.2, NM_001244992.1); c.476A>C, p.Glu159Ala (NM_001143886.2); short protein forms E159A, E246A.
Identifiers: ClinVar variation 3773942 (VCV003773942.1).

ClinVar aggregate classification (germline): Likely pathogenic (1 of 4 stars; one submission).

Submission:

GeneDx
Classification: Likely pathogenic. Last evaluated: 2024-09-18. Review status: criteria provided, single submitter. Criteria: GeneDx Variant Classification Process June 2021. Collection method: clinical testing. Allele origin: germline. Affected: yes.
Comment: Not observed at significant frequency in large population cohorts (gnomAD); In silico analysis supports that this missense variant has a deleterious effect on protein structure/function; Has not been previously published as pathogenic or benign to our knowledge